The following is an entry in ClinVar:

NM_001754.5(RUNX1):c.1267_1269delinsTGT (p.Arg423Cys)

Gene: RUNX1 (RUNX family transcription factor 1; minus strand). Cytogenetic location: 21q22.12.
Variant type: Indel.
Coding change: c.1267_1269delinsTGT on transcript NM_001754.5 (MANE Select); coding-DNA positions 1267 to 1269, CGC replaced by TGT.
Protein change: p.Arg423Cys; replaces arginine 423 with cysteine.
Molecular consequence: missense variant.
Genome position (GRCh38, 1-based): chr21:34,792,309-34,792,311, GCG replaced by ACA on the plus strand (CGC replaced by TGT on the coding strand, the reverse complement: RUNX1 is on the minus strand). VCF-style: chr21-34792309-GCG-ACA. GRCh37 (hg19) VCF-style: chr21-36164606-GCG-ACA.
Other names: c.1186_1188delinsTGT, p.Arg396Cys (NM_001001890.3); c.1267_1269delCGCinsTGT, p.Arg423Cys (NM_001754.4); c.1267_1269delinsTGT (NM_001754.4); short protein forms R423C, R396C.
Identifiers: ClinVar variation 3948840 (VCV003948840.2).

ClinVar aggregate classification (germline): Uncertain significance. Review status: criteria provided, multiple submitters, no conflicts (2 of 4 stars). 2 submissions from 2 submitters: Uncertain significance (2). Last evaluated 2026-02-11.

Conditions:
Hereditary thrombocytopenia and hematological cancer predisposition syndrome associated with RUNX1. Also called: RUNX1 Familial Platelet Disorder with Associated Myeloid Malignancies; Familial Platelet Disorder with Propensity to Acute Myelogenous Leukemia; Familial thrombocytopenia with propensity to acute myelogenous leukemia; PLATELET DISORDER, ASPIRIN-LIKE. Identifiers: Orphanet 71290, MedGen C1832388, MeSH C563324, MONDO:0100083, OMIM 601399.
Inborn genetic diseases. Identifiers: MedGen C0950123, MeSH D030342.

Submissions (2):

St. Jude Molecular Pathology, St. Jude Children's Research Hospital
Classification: Uncertain significance for Hereditary thrombocytopenia and hematological cancer predisposition syndrome associated with RUNX1. Last evaluated: 2026-02-11. Review status: criteria provided, single submitter. Criteria: St. Jude Assertion Criteria 2020. Collection method: clinical testing. Allele origin: germline.
Comment: The RUNX1 c.1267_1269delinsTGT p.(Arg423Cys) change results from the deletion of three nucleotides and insertion of 3 nucleotides, replacing an arginine with a cysteine at codon 423. This change is absent in gnomAD v2.1.1. To our knowledge, this variant has not been reported in individuals with familial platelet disorder with associated myeloid malignancy. In summary, the evidence currently available is insufficient to determine the clinical significance of this variant. It has therefore been classified as of uncertain significance.

Ambry Genetics
Classification: Uncertain significance for Inborn genetic diseases. Last evaluated: 2025-04-11. Review status: criteria provided, single submitter. Criteria: Ambry Variant Classification Scheme 2023. Collection method: clinical testing. Allele origin: germline.
Comment: The c.1267_1269delCGCinsTGT variant, located in coding exon 8 of the RUNX1 gene, results from an in-frame deletion of CGC and insertion of TGT at nucleotide positions 1267 to 1269. This results in the substitution of the arginine residue for a cysteine residue at codon 423, an amino acid with highly dissimilar properties. This amino acid position is highly conserved in available vertebrate species. In addition, this alteration is predicted to be deleterious by in silico analysis (Choi Y et al. PLoS ONE. 2012; 7(10):e46688). Based on the available evidence, the clinical significance of this variant remains unclear.